The following is an entry in ClinVar:

ClinVar aggregate classification (germline): Uncertain significance (1 of 4 stars; one submission).

Allele frequency attached by ClinVar (database versions not stated): gnomAD 0.00001; gnomAD exomes 0.00001; TOPMed 0.00001.
gnomAD v4.1: 7 of 1,613,902 alleles (0.00043%); highest among the groups gnomAD compares: Non-Finnish European, 0.00059%; no homozygotes.

Submission:

Labcorp Genetics (formerly Invitae), Labcorp
Classification: Uncertain significance. Last evaluated: 2022-03-26. Review status: criteria provided, single submitter. Criteria: Invitae Variant Classification Sherloc (09022015). Collection method: clinical testing. Allele origin: germline.
Comment: In summary, the available evidence is currently insufficient to determine the role of this variant in disease. Therefore, it has been classified as a Variant of Uncertain Significance. Algorithms developed to predict the effect of missense changes on protein structure and function are either unavailable or do not agree on the potential impact of this missense change (SIFT: "Deleterious"; PolyPhen-2: "Probably Damaging"; Align-GVGD: "Class C0"). This variant has not been reported in the literature in individuals affected with POLR3A-related conditions. This variant is present in population databases (no rsID available, gnomAD 0.007%). This sequence change replaces leucine, which is neutral and non-polar, with arginine, which is basic and polar, at codon 709 of the POLR3A protein (p.Leu709Arg).

NM_007055.4(POLR3A):c.2126T>G (p.Leu709Arg)

Gene: POLR3A (RNA polymerase III subunit A; minus strand). Cytogenetic location: 10q22.3.
Variant type: single nucleotide variant.
Coding change: c.2126T>G on transcript NM_007055.4 (MANE Select); coding-DNA position 2126, T replaced by G.
Protein change: p.Leu709Arg; replaces leucine 709 with arginine.
Molecular consequence: missense variant.
Genome position (GRCh38, 1-based): chr10:78,004,837, A>C on the plus strand (T>G on the coding strand, the complement: POLR3A is on the minus strand). VCF-style: chr10-78004837-A-C. GRCh37 (hg19) VCF-style: chr10-79764595-A-C.
Other names: short protein forms L709R.
Identifiers: ClinVar variation 2117163 (VCV002117163.4), dbSNP rs1322617786, ClinGen allele CA377338472.
Genomic context (GRCh38, chr10:78,004,837, plus strand): 5'-TCGATGTACTCATCACATTTCTTGTAGCCGGCATTCAGCAACTCATACTTGGCCTTCAGC[A>C]GTCCTTGGCCAGGTGTGACATCACCGATCCCAATTGAGAAACCACGGTTAGCTGTTGAGT-3'
Protein context (NP_008986.2, residues 699-719): GIGDVTPGQG[Leu709Arg]LKAKYELLNA